The following is an entry in ClinVar:

NM_058216.3(RAD51C):c.629A>G (p.Tyr210Cys)

Genes: RAD51C (RAD51 paralog C; plus strand), LOC129390903 (MPRA-validated peak2919 silencer; plus strand). Cytogenetic location: 17q22.
Variant type: single nucleotide variant.
Coding change: c.629A>G on transcript NM_058216.3 (MANE Select); coding-DNA position 629, A replaced by G.
Protein change: p.Tyr210Cys; replaces tyrosine 210 with cysteine.
Molecular consequence: missense variant. On other transcripts: non-coding transcript variant (1).
Genome position (GRCh38, 1-based): chr17:58,703,253, A>G. VCF-style: chr17-58703253-A-G. GRCh37 (hg19) VCF-style: chr17-56780614-A-G.
Other names: short protein forms Y210C.
Identifiers: ClinVar variation 826306 (VCV000826306.18), dbSNP rs1598473310, ClinGen allele CA400349462.

ClinVar aggregate classification (germline): Conflicting classifications of pathogenicity. Review status: criteria provided, conflicting classifications (1 of 4 stars). 2 submissions from 2 submitters: Uncertain significance (1); Likely benign (1). Last evaluated 2025-10-17.

Conditions:
Hereditary cancer-predisposing syndrome. Also called: Neoplastic Syndromes, Hereditary; Hereditary Cancer Syndrome; Hereditary neoplastic syndrome; Tumor predisposition. Identifiers: Orphanet 140162, MedGen C0027672, MeSH D009386, MONDO:0015356.
Fanconi anemia complementation group O. Also called: RAD51C-Related Fanconi Anemia. Identifiers: Orphanet 84, MedGen C3150653, MONDO:0013248, OMIM 613390.

Submissions (2):

Ambry Genetics
Classification: Likely benign for Hereditary cancer-predisposing syndrome. Last evaluated: 2025-10-17. Review status: criteria provided, single submitter. Criteria: Ambry Variant Classification Scheme 2023. Collection method: clinical testing. Allele origin: germline.

Labcorp Genetics (formerly Invitae), Labcorp
Classification: Uncertain significance for Fanconi anemia complementation group O. Last evaluated: 2022-06-19. Review status: criteria provided, single submitter. Criteria: Invitae Variant Classification Sherloc (09022015). Collection method: clinical testing. Allele origin: germline.
Comment: This variant has not been reported in the literature in individuals affected with RAD51C-related conditions. This variant is not present in population databases (gnomAD no frequency). This sequence change replaces tyrosine, which is neutral and polar, with cysteine, which is neutral and slightly polar, at codon 210 of the RAD51C protein (p.Tyr210Cys). ClinVar contains an entry for this variant (Variation ID: 826306). In summary, the available evidence is currently insufficient to determine the role of this variant in disease. Therefore, it has been classified as a Variant of Uncertain Significance. Algorithms developed to predict the effect of missense changes on protein structure and function (SIFT, PolyPhen-2, Align-GVGD) all suggest that this variant is likely to be tolerated.